The following is an entry in ClinVar:

NM_152419.3(HGSNAT):c.60C>T (p.Ala20=)

Genes: HGSNAT (heparan-alpha-glucosaminide N-acetyltransferase; plus strand), LOC130000316 (ATAC-STARR-seq lymphoblastoid silent region 19164; plus strand). Cytogenetic location: 8p11.21.
Variant type: single nucleotide variant.
Coding change: c.60C>T on transcript NM_152419.3 (MANE Select); coding-DNA position 60, C replaced by T.
Protein change: p.Ala20=; no amino-acid change (alanine 20 retained).
Molecular consequence: synonymous variant. On other transcripts: 5 prime UTR variant (1).
Genome position (GRCh38, 1-based): chr8:43,140,556, C>T. VCF-style: chr8-43140556-C-T. GRCh37 (hg19) VCF-style: chr8-42995699-C-T.
Other names: c.60C>T, p.Ala20= (NM_001363227.2, NM_001363228.2); c.-774C>T (NM_001363229.2); c.60C>T (NM_152419.2).
Identifiers: ClinVar variation 1103401 (VCV001103401.11), dbSNP rs1251787808, ClinGen allele CA460574479.

ClinVar aggregate classification (germline): Likely benign. Review status: criteria provided, multiple submitters, no conflicts (2 of 4 stars). 5 submissions from 5 submitters: Likely benign (4). 1 of the submissions does not count toward it. Last evaluated 2024-11-26.

Conditions:
HGSNAT-related disorder. Also called: HGSNAT-related condition.
Mucopolysaccharidosis, MPS-III-C (MPS3C). Also called: MPS III C; Mucopolysaccharidosis type IIIC (Sanfilippo C); SANFILIPPO SYNDROME C; MUCOPOLYSACCHARIDOSIS, TYPE IIIC; mucopolysaccharidosis type 3C; MPS IIIC (Sanfilippo Syndrome Type C). Identifiers: Orphanet 581, Orphanet 79271, MedGen C0086649, MONDO:0009657, OMIM 252930.
Retinitis pigmentosa 73 (RP73). Identifiers: Orphanet 791, MedGen C4225287, MONDO:0014687, OMIM 616544.
Retinal dystrophy. Also called: Inherited retinal dystrophy. Identifiers: Orphanet 71862, MedGen C0854723, MeSH D058499, MONDO:0019118, HP:0000556.

Allele frequency attached by ClinVar (database versions not stated): TOPMed below 0.00001; gnomAD 0.00001; gnomAD exomes 0.00002.
gnomAD v4.1: 24 of 1,199,914 alleles (0.002%); highest among the groups gnomAD compares: East Asian, 0.053%; 1 homozygote.

Submissions (5):

PreventionGenetics, part of Exact Sciences
Classification: Likely benign for HGSNAT-related condition. Last evaluated: 2024-11-26. Review status: criteria provided, single submitter. Criteria: ACMG Guidelines, 2015. Collection method: clinical testing. Allele origin: germline.
Comment: This variant is classified as likely benign based on ACMG/AMP sequence variant interpretation guidelines (Richards et al. 2015 PMID: 25741868, with internal and published modifications).

Labcorp Genetics (formerly Invitae), Labcorp
Classification: Likely benign for Retinitis pigmentosa 73; Mucopolysaccharidosis, MPS-III-C. Last evaluated: 2024-08-12. Review status: criteria provided, single submitter. Criteria: Invitae Variant Classification Sherloc (09022015). Collection method: clinical testing. Allele origin: germline.

Dept Of Ophthalmology, Nagoya University
Classification: Likely benign for Retinal dystrophy. Last evaluated: 2023-10-01. Review status: criteria provided, single submitter. Criteria: Submitter's publication. Collection method: research. Allele origin: germline. Affected: yes.

Blueprint Genetics
Classification: Likely benign. Last evaluated: 2022-09-22. Review status: criteria provided, single submitter. Criteria: ACMG Guidelines, 2015. Collection method: clinical testing. Allele origin: germline.

Natera, Inc.
Classification: Likely benign for Mucopolysaccharidosis type IIIC. Last evaluated: 2021-09-13. Review status: no assertion criteria provided. Collection method: clinical testing. Allele origin: germline. Not counted in ClinVar's aggregate classification.